The following is an entry in ClinVar:

ClinVar aggregate classification (germline): Uncertain significance. Review status: criteria provided, multiple submitters, no conflicts (2 of 4 stars). 2 submissions from 2 submitters: Uncertain significance (2). Last evaluated 2025-08-22.

Conditions:
Hereditary cancer-predisposing syndrome. Also called: Tumor predisposition; Hereditary neoplastic syndrome; Neoplastic Syndromes, Hereditary; Hereditary Cancer Syndrome. Identifiers: Orphanet 140162, MedGen C0027672, MeSH D009386, MONDO:0015356.

Submissions (2):

Ambry Genetics
Classification: Uncertain significance for Hereditary cancer-predisposing syndrome. Last evaluated: 2025-08-22. Review status: criteria provided, single submitter. Criteria: Ambry Variant Classification Scheme 2023. Collection method: clinical testing. Allele origin: germline.
Comment: The p.S14R variant (also known as c.42T>A), located in coding exon 1 of the RAD50 gene, results from a T to A substitution at nucleotide position 42. The serine at codon 14 is replaced by arginine, an amino acid with dissimilar properties. This amino acid position is conserved. In addition, the in silico prediction for this alteration is inconclusive. Based on the available evidence, the clinical significance of this variant remains unclear.

Labcorp Genetics (formerly Invitae), Labcorp
Classification: Uncertain significance for Hereditary cancer-predisposing syndrome. Last evaluated: 2020-12-04. Review status: criteria provided, single submitter. Criteria: Invitae Variant Classification Sherloc (09022015). Collection method: clinical testing. Allele origin: germline.
Comment: In summary, the available evidence is currently insufficient to determine the role of this variant in disease. Therefore, it has been classified as a Variant of Uncertain Significance. Algorithms developed to predict the effect of missense changes on protein structure and function are either unavailable or do not agree on the potential impact of this missense change (SIFT: "Deleterious"; PolyPhen-2: "Probably Damaging"; Align-GVGD: "Class C0"). This variant has not been reported in the literature in individuals with RAD50-related conditions. This variant is not present in population databases (ExAC no frequency). This sequence change replaces serine with arginine at codon 14 of the RAD50 protein (p.Ser14Arg). The serine residue is highly conserved and there is a moderate physicochemical difference between serine and arginine.

NM_005732.4(RAD50):c.42T>A (p.Ser14Arg)

Gene: RAD50 (RAD50 double strand break repair protein; plus strand). Cytogenetic location: 5q31.1.
Variant type: single nucleotide variant.
Coding change: c.42T>A on transcript NM_005732.4 (MANE Select); coding-DNA position 42, T replaced by A.
Protein change: p.Ser14Arg; replaces serine 14 with arginine.
Molecular consequence: missense variant.
Genome position (GRCh38, 1-based): chr5:132,557,366, T>A. VCF-style: chr5-132557366-T-A. GRCh37 (hg19) VCF-style: chr5-131893058-T-A.
Other names: c.42T>A (NM_005732.3); short protein forms S14R.
Identifiers: ClinVar variation 1491166 (VCV001491166.9), dbSNP rs2149830099, ClinGen allele CA360950971.
Genomic context (GRCh38, chr5:132,557,366, plus strand): 5'-ATTAGAAACGTTTGCAAACATGTCCCGGATCGAAAAGATGAGCATTCTGGGCGTGCGGAG[T>A]TTTGGAATAGAGGACAAAGATAAGCAAATTATCACTTTCTTCAGCCCCCTTACAATTTTG-3'
Protein context (NP_005723.2, residues 4-24): IEKMSILGVR[Ser14Arg]FGIEDKDKQI